The following is an entry in ClinVar:

NM_001845.6(COL4A1):c.1042T>C (p.Tyr348His)

Gene: COL4A1 (collagen type IV alpha 1 chain; minus strand). Cytogenetic location: 13q34.
Variant type: single nucleotide variant.
Coding change: c.1042T>C on transcript NM_001845.6 (MANE Select); coding-DNA position 1042, T replaced by C.
Protein change: p.Tyr348His; replaces tyrosine 348 with histidine.
Molecular consequence: missense variant.
Genome position (GRCh38, 1-based): chr13:110,201,480, A>G on the plus strand (T>C on the coding strand, the complement: COL4A1 is on the minus strand). VCF-style: chr13-110201480-A-G. GRCh37 (hg19) VCF-style: chr13-110853827-A-G.
Other names: c.1042T>C, p.Tyr348His (NM_001303110.2); short protein forms Y348H.
Identifiers: ClinVar variation 2130255 (VCV002130255.4), dbSNP rs2501568945, ClinGen allele CA388724402.

ClinVar aggregate classification (germline): Uncertain significance (1 of 4 stars; one submission).

Submission:

Labcorp Genetics (formerly Invitae), Labcorp
Classification: Uncertain significance. Last evaluated: 2022-04-24. Review status: criteria provided, single submitter. Criteria: Invitae Variant Classification Sherloc (09022015). Collection method: clinical testing. Allele origin: germline.
Comment: In summary, the available evidence is currently insufficient to determine the role of this variant in disease. Therefore, it has been classified as a Variant of Uncertain Significance. Advanced modeling of protein sequence and biophysical properties (such as structural, functional, and spatial information, amino acid conservation, physicochemical variation, residue mobility, and thermodynamic stability) performed at Invitae indicates that this missense variant is not expected to disrupt COL4A1 protein function. This variant has not been reported in the literature in individuals affected with COL4A1-related conditions. This variant is not present in population databases (gnomAD no frequency). This sequence change replaces tyrosine, which is neutral and polar, with histidine, which is basic and polar, at codon 348 of the COL4A1 protein (p.Tyr348His).